The following is an entry in ClinVar:

ClinVar aggregate classification (germline): Uncertain significance. Review status: criteria provided, multiple submitters, no conflicts (2 of 4 stars). 3 submissions from 3 submitters: Uncertain significance (3). Last evaluated 2025-09-24.

Conditions:
Dalmatian hypouricemia (RHUC1). Identifiers: MedGen C0473219, MONDO:0020728, OMIM 220150.

Allele frequency attached by ClinVar (database versions not stated): 1000 Genomes Project 0.00020; 1000 Genomes Project 30x 0.00031; gnomAD exomes 0.00039; ExAC 0.00040; gnomAD 0.00042 and 0.00045; TOPMed 0.00053; ESP Exome Variant Server 0.00054.
gnomAD v4.1: 1,092 of 1,612,486 alleles (0.068%); highest among the groups gnomAD compares: Non-Finnish European, 0.084%; no homozygotes.

Submissions (3):

Labcorp Genetics (formerly Invitae), Labcorp
Classification: Uncertain significance. Last evaluated: 2025-09-24. Review status: criteria provided, single submitter. Criteria: Invitae Variant Classification Sherloc (09022015). Collection method: clinical testing. Allele origin: germline.
Comment: This sequence change replaces arginine, which is basic and polar, with tryptophan, which is neutral and slightly polar, at codon 325 of the SLC22A12 protein (p.Arg325Trp). This variant is present in population databases (rs150255373, gnomAD 0.06%). This variant has not been reported in the literature in individuals affected with SLC22A12-related conditions. ClinVar contains an entry for this variant (Variation ID: 1350378). An algorithm developed to predict the effect of missense changes on protein structure and function (PolyPhen-2) suggests that this variant is likely to be disruptive. Experimental studies have shown that this missense change affects SLC22A12 function (PMID: 30315176). In summary, the available evidence is currently insufficient to determine the role of this variant in disease. Therefore, it has been classified as a Variant of Uncertain Significance.

Blueprint Genetics
Classification: Uncertain significance. Last evaluated: 2024-11-01. Review status: criteria provided, single submitter. Criteria: ACMG Guidelines, 2015. Collection method: clinical testing. Allele origin: germline.

Fulgent Genetics
Classification: Uncertain significance for Dalmatian hypouricemia. Last evaluated: 2024-03-21. Review status: criteria provided, single submitter. Criteria: ACMG Guidelines, 2015. Collection method: clinical testing. Allele origin: germline.

Literature cited by the submitters: PubMed 30315176 (cited by Labcorp Genetics (formerly Invitae), Labcorp).

NM_144585.4(SLC22A12):c.973C>T (p.Arg325Trp)

Gene: SLC22A12 (solute carrier family 22 member 12; plus strand). Cytogenetic location: 11q13.1.
Variant type: single nucleotide variant.
Coding change: c.973C>T on transcript NM_144585.4 (MANE Select); coding-DNA position 973, C replaced by T.
Protein change: p.Arg325Trp; replaces arginine 325 with tryptophan.
Molecular consequence: missense variant.
Genome position (GRCh38, 1-based): chr11:64,598,826, C>T. VCF-style: chr11-64598826-C-T. GRCh37 (hg19) VCF-style: chr11-64366298-C-T.
Other names: c.871C>T, p.Arg291Trp (NM_001276326.2); c.649C>T, p.Arg217Trp (NM_001276327.2); c.310C>T, p.Arg104Trp (NM_153378.3); short protein forms R325W, R104W, R217W, R291W.
Identifiers: ClinVar variation 1350378 (VCV001350378.7), dbSNP rs150255373, ClinGen allele CA6077258.